The following is an entry in ClinVar:

NM_001171.6(ABCC6):c.2945C>T (p.Thr982Met)

Gene: ABCC6 (ATP binding cassette subfamily C member 6; minus strand). Cytogenetic location: 16p13.11.
Variant type: single nucleotide variant.
Coding change: c.2945C>T on transcript NM_001171.6 (MANE Select); coding-DNA position 2945, C replaced by T.
Protein change: p.Thr982Met; replaces threonine 982 with methionine.
Molecular consequence: missense variant. On other transcripts: non-coding transcript variant (1).
Genome position (GRCh38, 1-based): chr16:16,169,696, G>A on the plus strand (C>T on the coding strand, the complement: ABCC6 is on the minus strand). VCF-style: chr16-16169696-G-A. GRCh37 (hg19) VCF-style: chr16-16263553-G-A.
Other names: c.2603C>T, p.Thr868Met (NM_001351800.1); short protein forms T982M, T868M.
Identifiers: ClinVar variation 1978714 (VCV001978714.2), dbSNP rs757861271, ClinGen allele CA7925739.

ClinVar aggregate classification (germline): Uncertain significance (1 of 4 stars; one submission).

Allele frequency attached by ClinVar (database versions not stated): ExAC 0.00001; TOPMed 0.00001; gnomAD 0.00002.
gnomAD v4.1: 14 of 1,611,410 alleles (0.00087%); highest among the groups gnomAD compares: African/African-American, 0.0027%; no homozygotes.

Submission:

Labcorp Genetics (formerly Invitae), Labcorp
Classification: Uncertain significance. Last evaluated: 2024-02-20. Review status: criteria provided, single submitter. Criteria: Invitae Variant Classification Sherloc (09022015). Collection method: clinical testing. Allele origin: germline.
Comment: This sequence change replaces threonine, which is neutral and polar, with methionine, which is neutral and non-polar, at codon 982 of the ABCC6 protein (p.Thr982Met). This variant is present in population databases (rs757861271, gnomAD 0.01%). This variant has not been reported in the literature in individuals affected with ABCC6-related conditions. ClinVar contains an entry for this variant (Variation ID: 1978714). Advanced modeling of protein sequence and biophysical properties (such as structural, functional, and spatial information, amino acid conservation, physicochemical variation, residue mobility, and thermodynamic stability) performed at Invitae indicates that this missense variant is not expected to disrupt ABCC6 protein function with a negative predictive value of 80%. In summary, the available evidence is currently insufficient to determine the role of this variant in disease. Therefore, it has been classified as a Variant of Uncertain Significance.